The following is an entry in ClinVar:

NM_024740.2(ALG9):c.1807A>G (p.Ile603Val)

Gene: ALG9 (ALG9 alpha-1,2-mannosyltransferase; minus strand). Cytogenetic location: 11q23.1.
Variant type: single nucleotide variant.
Coding change: c.1807A>G on transcript NM_024740.2 (MANE Select); coding-DNA position 1807, A replaced by G.
Protein change: p.Ile603Val; replaces isoleucine 603 with valine.
Molecular consequence: missense variant. On other transcripts: 3 prime UTR variant (4), non-coding transcript variant (1).
Genome position (GRCh38, 1-based): chr11:111,786,447, T>C on the plus strand (A>G on the coding strand, the complement: ALG9 is on the minus strand). VCF-style: chr11-111786447-T-C. GRCh37 (hg19) VCF-style: chr11-111657171-T-C.
Other names: c.1786A>G, p.Ile596Val (NM_001077690.1, NM_001352417.1); c.1294A>G, p.Ile432Val (NM_001077691.2, NM_001352413.1, NM_001352414.2 and 1 more transcripts); c.1273A>G, p.Ile425Val (NM_001077692.2, NM_001352409.1, NM_001352410.1 and 4 more transcripts); c.1663A>G, p.Ile555Val (NM_001352418.1); c.*79A>G (NM_001352420.2); c.*73A>G (NM_001352421.2, NM_001441204.1, NM_001441205.1); c.1198A>G, p.Ile400Val (NM_001352422.2); c.1150A>G, p.Ile384Val (NM_001352423.2); and 2 more; short protein forms I384V, I400V, I425V, I432V, I555V, I562V, I596V, I603V.
Identifiers: ClinVar variation 4850542 (VCV004850542.1).

ClinVar aggregate classification (germline): Likely benign (1 of 4 stars; one submission).

Conditions:
ALG9 congenital disorder of glycosylation (CDG1L). Also called: CDG Il; CONGENITAL DISORDER OF GLYCOSYLATION, TYPE Il; ALG9-CDG. Identifiers: Orphanet 79328, MedGen C2931006, MONDO:0012117, OMIM 608776.

gnomAD v4.1: 91 of 1,614,122 alleles (0.0056%); highest among the groups gnomAD compares: South Asian, 0.099%; no homozygotes.

Submission:

Centre for Medical Genetics,  Mumbai
Classification: Likely benign for ALG9 congenital disorder of glycosylation. Last evaluated: 2026-01-30. Review status: criteria provided, single submitter. Criteria: ACMG Guidelines, 2015. Collection method: provider interpretation. Allele origin: germline. Inheritance: Autosomal recessive inheritance. Affected: no. Observed: 1 variant allele, 1 homozygote.
Comment: The variant satisfies BP4 criteria; For a missense or a splice region variant, computational prediction tools unanimously support a benign effect on the gene. However, the variant satisfies BS2 criteria.

Literature cited by the submitters: PubMed 15148656.